The following is an entry in ClinVar:

NM_016169.4(SUFU):c.985C>G (p.Pro329Ala)

Gene: SUFU (SUFU negative regulator of hedgehog signaling; plus strand). Cytogenetic location: 10q24.32.
Variant type: single nucleotide variant.
Coding change: c.985C>G on transcript NM_016169.4 (MANE Select); coding-DNA position 985, C replaced by G.
Protein change: p.Pro329Ala; replaces proline 329 with alanine.
Molecular consequence: missense variant.
Genome position (GRCh38, 1-based): chr10:102,599,507, C>G. VCF-style: chr10-102599507-C-G. GRCh37 (hg19) VCF-style: chr10-104359264-C-G.
Other names: c.985C>G (NM_016169.3); c.985C>G, p.Pro329Ala (NM_001178133.2); short protein forms P329A.
Identifiers: ClinVar variation 1368406 (VCV001368406.10), dbSNP rs2063496120, ClinGen allele CA377911143.
Genomic context (GRCh38, chr10:102,599,507, plus strand): 5'-CGGGAGACCCTGAGGAGAGGACTCGAGATCAACAGCAAACCTGTCCTTCCACCAATCAAC[C>G]CTCAGCGGCAGAATGGCCTCGCCCACGACCGGGCCCCGTAAGTTCCCCAGTGTCCCTGGG-3'
Protein context (NP_057253.2, residues 319-339): NSKPVLPPIN[Pro329Ala]QRQNGLAHDR

ClinVar aggregate classification (germline): Uncertain significance. Review status: criteria provided, multiple submitters, no conflicts (2 of 4 stars). 3 submissions from 3 submitters: Uncertain significance (3). Last evaluated 2025-12-10.

Conditions:
Gorlin syndrome. Also called: Basal cell nevus syndrome; Nevoid Basal Cell Carcinoma Syndrome. Identifiers: Orphanet 377, MedGen C0004779, MONDO:0007187.
Medulloblastoma (MDB). Also called: MEDULLOBLASTOMA PREDISPOSITION SYNDROME; Medulloblastoma, somatic. Identifiers: Orphanet 616, MedGen C0025149, MeSH D008527, MONDO:0007959, OMIM 155255, HP:0002885.
Hereditary cancer-predisposing syndrome. Also called: Hereditary neoplastic syndrome; Hereditary Cancer Syndrome; Neoplastic Syndromes, Hereditary; Tumor predisposition. Identifiers: Orphanet 140162, MedGen C0027672, MeSH D009386, MONDO:0015356.

Submissions (3):

Ambry Genetics
Classification: Uncertain significance for Hereditary cancer-predisposing syndrome. Last evaluated: 2025-12-10. Review status: criteria provided, single submitter. Criteria: Ambry Variant Classification Scheme 2023. Collection method: clinical testing. Allele origin: germline.
Comment: The p.P329A variant (also known as c.985C>G), located in coding exon 8 of the SUFU gene, results from a C to G substitution at nucleotide position 985. The proline at codon 329 is replaced by alanine, an amino acid with highly similar properties. This amino acid position is conserved. In addition, this alteration is predicted to be tolerated by in silico analysis. Based on the available evidence, the clinical significance of this variant remains unclear.

Labcorp Genetics (formerly Invitae), Labcorp
Classification: Uncertain significance for Gorlin syndrome; Medulloblastoma. Last evaluated: 2024-05-23. Review status: criteria provided, single submitter. Criteria: Invitae Variant Classification Sherloc (09022015). Collection method: clinical testing. Allele origin: germline.
Comment: This sequence change replaces proline, which is neutral and non-polar, with alanine, which is neutral and non-polar, at codon 329 of the SUFU protein (p.Pro329Ala). This variant is not present in population databases (gnomAD no frequency). This variant has not been reported in the literature in individuals affected with SUFU-related conditions. ClinVar contains an entry for this variant (Variation ID: 1368406). Advanced modeling of protein sequence and biophysical properties (such as structural, functional, and spatial information, amino acid conservation, physicochemical variation, residue mobility, and thermodynamic stability) performed at Invitae indicates that this missense variant is not expected to disrupt SUFU protein function with a negative predictive value of 80%. In summary, the available evidence is currently insufficient to determine the role of this variant in disease. Therefore, it has been classified as a Variant of Uncertain Significance.

GeneDx
Classification: Uncertain significance. Last evaluated: 2024-01-31. Review status: criteria provided, single submitter. Criteria: GeneDx Variant Classification Process June 2021. Collection method: clinical testing. Allele origin: germline. Affected: yes.
Comment: Not observed at significant frequency in large population cohorts (gnomAD); In silico analysis supports that this missense variant does not alter protein structure/function; Has not been previously published as pathogenic or benign to our knowledge; This variant is associated with the following publications: (PMID: 24311597)